The following is an entry in ClinVar:

NM_198576.4(AGRN):c.2147C>T (p.Pro716Leu)

Gene: AGRN (agrin; plus strand). Cytogenetic location: 1p36.33.
Variant type: single nucleotide variant.
Coding change: c.2147C>T on transcript NM_198576.4 (MANE Select); coding-DNA position 2147, C replaced by T.
Protein change: p.Pro716Leu; replaces proline 716 with leucine.
Molecular consequence: missense variant.
Genome position (GRCh38, 1-based): chr1:1,044,256, C>T. VCF-style: chr1-1044256-C-T. GRCh37 (hg19) VCF-style: chr1-979636-C-T.
Other names: c.2147C>T, p.Pro716Leu (NM_001305275.2); c.1832C>T, p.Pro611Leu (NM_001364727.2); short protein forms P716L, P611L.
Identifiers: ClinVar variation 836455 (VCV000836455.6), dbSNP rs535766401, ClinGen allele CA508477.
Genomic context (GRCh38, chr1:1,044,256, plus strand): 5'-AGGACTCGGAGGACGGGCCGTGTGTCTGTGACTTCAGCTGCCAGAGTGTCCCAGGCAGCC[C>T]GGTGAGCTCTGTACCCCTGGCTCTCGGCGGGCGGCGGGGACGGGGCTGCGGCCGCTCACA-3'
Protein context (NP_940978.2, residues 706-726): DFSCQSVPGS[Pro716Leu]VCGSDGVTYS

ClinVar aggregate classification (germline): Uncertain significance. Review status: criteria provided, multiple submitters, no conflicts (2 of 4 stars). 3 submissions from 3 submitters: Uncertain significance (3). Last evaluated 2022-08-16.

Conditions:
Inborn genetic diseases. Identifiers: MedGen C0950123, MeSH D030342.
Congenital myasthenic syndrome 8. Also called: MYASTHENIC SYNDROME, CONGENITAL, DUE TO AGRIN DEFICIENCY; Myasthenic syndrome, congenital, 8, with pre- and postsynaptic defects. Identifiers: Orphanet 590, MedGen C3808739, MONDO:0014052, OMIM 615120.

Allele frequency attached by ClinVar (database versions not stated): gnomAD 0.00002 and 0.00003; TOPMed 0.00002; ExAC 0.00003; gnomAD exomes 0.00005.
gnomAD v4.1: 92 of 1,612,784 alleles (0.0057%); highest among the groups gnomAD compares: East Asian, 0.018%; no homozygotes.

Submissions (3):

Labcorp Genetics (formerly Invitae), Labcorp
Classification: Uncertain significance for Congenital myasthenic syndrome 8. Last evaluated: 2022-08-16. Review status: criteria provided, single submitter. Criteria: Invitae Variant Classification Sherloc (09022015). Collection method: clinical testing. Allele origin: germline.
Comment: This sequence change replaces proline, which is neutral and non-polar, with leucine, which is neutral and non-polar, at codon 716 of the AGRN protein (p.Pro716Leu). This variant is present in population databases (rs535766401, gnomAD 0.03%). This variant has not been reported in the literature in individuals affected with AGRN-related conditions. ClinVar contains an entry for this variant (Variation ID: 836455). Algorithms developed to predict the effect of missense changes on protein structure and function output the following: SIFT: "Tolerated"; PolyPhen-2: "Benign"; Align-GVGD: "Class C0". The leucine amino acid residue is found in multiple mammalian species, which suggests that this missense change does not adversely affect protein function. In summary, the available evidence is currently insufficient to determine the role of this variant in disease. Therefore, it has been classified as a Variant of Uncertain Significance.

GeneDx
Classification: Uncertain significance. Last evaluated: 2022-06-29. Review status: criteria provided, single submitter. Criteria: GeneDx Variant Classification Process June 2021. Collection method: clinical testing. Allele origin: germline. Affected: yes.
Comment: In silico analysis supports that this missense variant has a deleterious effect on protein structure/function; Has not been previously published as pathogenic or benign to our knowledge

Ambry Genetics
Classification: Uncertain significance for Inborn genetic diseases. Last evaluated: 2021-10-06. Review status: criteria provided, single submitter. Criteria: Ambry Variant Classification Scheme 2023. Collection method: clinical testing. Allele origin: germline.